The following is an entry in ClinVar:

NM_001298.3(CNGA3):c.1687C>T (p.Arg563Cys)

Gene: CNGA3 (cyclic nucleotide gated channel subunit alpha 3; plus strand). Cytogenetic location: 2q11.2.
Variant type: single nucleotide variant.
Coding change: c.1687C>T on transcript NM_001298.3 (MANE Select); coding-DNA position 1687, C replaced by T.
Protein change: p.Arg563Cys; replaces arginine 563 with cysteine.
Molecular consequence: missense variant.
Genome position (GRCh38, 1-based): chr2:98,396,857, C>T. VCF-style: chr2-98396857-C-T. GRCh37 (hg19) VCF-style: chr2-99013320-C-T.
Other names: c.1633C>T, p.Arg545Cys (NM_001079878.2); short protein forms R563C, R545C.
Identifiers: ClinVar variation 596480 (VCV000596480.16), dbSNP rs150153987, ClinGen allele CA1794066.

ClinVar aggregate classification (germline): Conflicting classifications of pathogenicity. Review status: criteria provided, conflicting classifications (1 of 4 stars). 3 submissions from 3 submitters: Pathogenic (1); Likely pathogenic (1); Uncertain significance (1). Last evaluated 2025-04-21.

Conditions:
Achromatopsia 2 (ACHM2). Also called: ROD MONOCHROMACY 2; ROD MONOCHROMATISM 2; COLORBLINDNESS, TOTAL. Identifiers: Orphanet 49382, MedGen C1857618, MONDO:0009003, OMIM 216900.

Allele frequency attached by ClinVar (database versions not stated): gnomAD exomes 0.00001 and 0.00002; ExAC 0.00002; gnomAD 0.00003 and 0.00004; TOPMed 0.00005; ESP Exome Variant Server 0.00015.
gnomAD v4.1: 14 of 1,614,024 alleles (0.00087%); highest among the groups gnomAD compares: African/African-American, 0.0053%; no homozygotes.

Submissions (3):

Labcorp Genetics (formerly Invitae), Labcorp
Classification: Pathogenic. Last evaluated: 2025-04-21. Review status: criteria provided, single submitter. Criteria: Invitae Variant Classification Sherloc (09022015). Collection method: clinical testing. Allele origin: germline.
Comment: This sequence change replaces arginine, which is basic and polar, with cysteine, which is neutral and slightly polar, at codon 563 of the CNGA3 protein (p.Arg563Cys). This variant is present in population databases (rs150153987, gnomAD 0.01%). This missense change has been observed in individuals with achromatopsia (PMID: 18445228, 30682209). ClinVar contains an entry for this variant (Variation ID: 596480). Invitae Evidence Modeling of protein sequence and biophysical properties (such as structural, functional, and spatial information, amino acid conservation, physicochemical variation, residue mobility, and thermodynamic stability) indicates that this missense variant is expected to disrupt CNGA3 protein function with a positive predictive value of 95%. Experimental studies have shown that this missense change affects CNGA3 function (PMID: 18445228). This variant disrupts the p.Arg563 amino acid residue in CNGA3. Other variant(s) that disrupt this residue have been determined to be pathogenic (PMID: 11536077, 15743887, 17693388; internal data). This suggests that this residue is clinically significant, and that variants that disrupt this residue are likely to be disease-causing. For these reasons, this variant has been classified as Pathogenic.

Institute of Medical Molecular Genetics, University of Zurich
Classification: Likely pathogenic for Achromatopsia 2. Last evaluated: 2021-01-30. Review status: criteria provided, single submitter. Criteria: ACMG Guidelines, 2015. Collection method: clinical testing. Allele origin: unknown. Affected: yes.

Eurofins Ntd Llc (ga)
Classification: Uncertain significance. Last evaluated: 2018-03-29. Review status: criteria provided, single submitter. Criteria: EGL ClinVar v180209 classification definitions. Collection method: clinical testing. Allele origin: germline. Observed: 1 variant allele, 1 heterozygote.

Literature cited by the submitters: PubMed 18445228 (cited by Labcorp Genetics (formerly Invitae), Labcorp); PubMed 30682209 (cited by Labcorp Genetics (formerly Invitae), Labcorp); PubMed 11536077 (cited by Labcorp Genetics (formerly Invitae), Labcorp); PubMed 15743887 (cited by Labcorp Genetics (formerly Invitae), Labcorp); PubMed 17693388 (cited by Labcorp Genetics (formerly Invitae), Labcorp).